The following is an entry in ClinVar:

ClinVar aggregate classification (germline): Uncertain significance (1 of 4 stars; one submission).

Conditions:
Cardiovascular phenotype. Identifiers: MedGen CN230736.

gnomAD v4.1: 3 of 1,608,538 alleles (0.00019%); highest among the groups gnomAD compares: Non-Finnish European, 0.00026%; no homozygotes.

Submission:

Ambry Genetics
Classification: Uncertain significance for Cardiovascular phenotype. Last evaluated: 2025-03-03. Review status: criteria provided, single submitter. Criteria: Ambry Variant Classification Scheme 2023. Collection method: clinical testing. Allele origin: germline.
Comment: The p.N578D variant (also known as c.1732A>G), located in coding exon 12 of the ABCG5 gene, results from an A to G substitution at nucleotide position 1732. The asparagine at codon 578 is replaced by aspartic acid, an amino acid with highly similar properties. This amino acid position is conserved. In addition, the in silico prediction for this alteration is inconclusive. Based on the available evidence, the clinical significance of this variant remains unclear.

NM_022436.3(ABCG5):c.1732A>G (p.Asn578Asp)

Genes: ABCG5 (ATP binding cassette subfamily G member 5; minus strand), DYNC2LI1 (dynein cytoplasmic 2 light intermediate chain 1; plus strand). Cytogenetic location: 2p21.
Variant type: single nucleotide variant.
Coding change: c.1732A>G on transcript NM_022436.3 (MANE Select); coding-DNA position 1732, A replaced by G.
Protein change: p.Asn578Asp; replaces asparagine 578 with aspartic acid.
Molecular consequence: missense variant. On other transcripts: intron variant (2).
Genome position (GRCh38, 1-based): chr2:43,814,507, T>C on the plus strand (A>G on the coding strand, the complement: ABCG5 is on the minus strand). VCF-style: chr2-43814507-T-C. GRCh37 (hg19) VCF-style: chr2-44041646-T-C.
Other names: c.*15+3983T>C (NM_001348913.2, NM_001348912.2); short protein forms N578D.
Identifiers: ClinVar variation 3887491 (VCV003887491.1).